The following is an entry in ClinVar:

NM_001378454.1(ALMS1):c.1694C>T (p.Thr565Ile)

Gene: ALMS1 (ALMS1 centrosome and basal body associated protein; plus strand). Cytogenetic location: 2p13.1.
Variant type: single nucleotide variant.
Coding change: c.1694C>T on transcript NM_001378454.1 (MANE Select); coding-DNA position 1694, C replaced by T.
Protein change: p.Thr565Ile; replaces threonine 565 with isoleucine.
Molecular consequence: missense variant.
Genome position (GRCh38, 1-based): chr2:73,448,221, C>T. VCF-style: chr2-73448221-C-T. GRCh37 (hg19) VCF-style: chr2-73675348-C-T.
Other names: c.1697C>T, p.Thr566Ile (NM_015120.4); short protein forms T565I, T566I.
Identifiers: ClinVar variation 3641680 (VCV003641680.2).

ClinVar aggregate classification (germline): Uncertain significance (1 of 4 stars; one submission).

Conditions:
Alstrom syndrome (ALMS). Identifiers: Orphanet 64, MedGen C0268425, MONDO:0008763, OMIM 203800.

Submission:

Labcorp Genetics (formerly Invitae), Labcorp
Classification: Uncertain significance for Alstrom syndrome. Last evaluated: 2024-02-17. Review status: criteria provided, single submitter. Criteria: Invitae Variant Classification Sherloc (09022015). Collection method: clinical testing. Allele origin: germline.
Comment: This sequence change replaces threonine, which is neutral and polar, with isoleucine, which is neutral and non-polar, at codon 566 of the ALMS1 protein (p.Thr566Ile). This variant is not present in population databases (gnomAD no frequency). This variant has not been reported in the literature in individuals affected with ALMS1-related conditions. Algorithms developed to predict the effect of missense changes on protein structure and function output the following: SIFT: "Not Available"; PolyPhen-2: "Not Available"; Align-GVGD: "Not Available". The isoleucine amino acid residue is found in multiple mammalian species, which suggests that this missense change does not adversely affect protein function. In summary, the available evidence is currently insufficient to determine the role of this variant in disease. Therefore, it has been classified as a Variant of Uncertain Significance.